The following is an entry in ClinVar:

NM_199420.4(POLQ):c.7080G>T (p.Arg2360Ser)

Gene: POLQ (DNA polymerase theta; minus strand). Cytogenetic location: 3q13.33.
Variant type: single nucleotide variant.
Coding change: c.7080G>T on transcript NM_199420.4 (MANE Select); coding-DNA position 7080, G replaced by T.
Protein change: p.Arg2360Ser; replaces arginine 2360 with serine.
Molecular consequence: missense variant.
Genome position (GRCh38, 1-based): chr3:121,460,122, C>A on the plus strand (G>T on the coding strand, the complement: POLQ is on the minus strand). VCF-style: chr3-121460122-C-A. GRCh37 (hg19) VCF-style: chr3-121178969-C-A.
Other names: short protein forms R2360S.
Identifiers: ClinVar variation 2625808 (VCV002625808.2), dbSNP rs2546764719, ClinGen allele CA354107062.

ClinVar aggregate classification (germline): Uncertain significance (1 of 4 stars; one submission).

Submission:

Ambry Genetics
Classification: Uncertain significance. Last evaluated: 2023-06-24. Review status: criteria provided, single submitter. Criteria: Ambry Variant Classification Scheme 2023. Collection method: clinical testing. Allele origin: germline.
Comment: The p.R2360S variant (also known as c.7080G>T), located in coding exon 25 of the POLQ gene, results from a G to T substitution at nucleotide position 7080. The arginine at codon 2360 is replaced by serine, an amino acid with dissimilar properties. This amino acid position is conserved. In addition, the in silico prediction for this alteration is inconclusive. Since supporting evidence is limited at this time, the clinical significance of this alteration remains unclear.